The following is an entry in ClinVar:

NM_004447.6(EPS8):c.1802_1817del (p.Pro601fs)

Gene: EPS8 (EGFR pathway substrate 8, signaling adaptor; minus strand). Cytogenetic location: 12p12.3.
Variant type: Deletion.
Coding change: c.1802_1817del on transcript NM_004447.6 (MANE Select); coding-DNA positions 1802 to 1817, 16 bases deleted (CTTATACTCATACTAT).
Protein change: p.Pro601fs; shifts the reading frame from proline 601.
Molecular consequence: frameshift variant.
Genome position (GRCh38, 1-based): chr12:15,640,707-15,640,722, ATAGTATGAGTATAAG deleted on the plus strand (CTTATACTCATACTAT on the coding strand, the reverse complement: EPS8 is on the minus strand). VCF-style (leftmost placement, unchanged base first): chr12-15640706-TATAGTATGAGTATAAG-T. GRCh37 (hg19) VCF-style: chr12-15793640-TATAGTATGAGTATAAG-T.
Other names: c.1802_1817del16, p.Pro601Hisfs (NM_001413831.1, NM_001413832.1, NM_001413833.1 and 1 more transcripts); c.1562_1577del16, p.Pro521Hisfs (NM_001413835.1, NM_001413836.1); c.1385_1400del16, p.Pro462Hisfs (NM_001413837.1); c.1022_1037del16, p.Pro341Hisfs (NM_001413838.1); short protein forms P601fs.
Identifiers: ClinVar variation 2127162 (VCV002127162.4), dbSNP rs1565473322, ClinGen allele CA603530643.

ClinVar aggregate classification (germline): Pathogenic (1 of 4 stars; one submission).

Allele frequency attached by ClinVar (database versions not stated): gnomAD exomes below 0.00001.

Submission:

Labcorp Genetics (formerly Invitae), Labcorp
Classification: Pathogenic. Last evaluated: 2024-08-06. Review status: criteria provided, single submitter. Criteria: Invitae Variant Classification Sherloc (09022015). Collection method: clinical testing. Allele origin: germline.
Comment: This sequence change creates a premature translational stop signal (p.Pro601Hisfs*49) in the EPS8 gene. It is expected to result in an absent or disrupted protein product. Loss-of-function variants in EPS8 are known to be pathogenic (PMID: 24741995). This variant is present in population databases (no rsID available, gnomAD 0.0009%). This variant has not been reported in the literature in individuals affected with EPS8-related conditions. ClinVar contains an entry for this variant (Variation ID: 2127162). For these reasons, this variant has been classified as Pathogenic.

Literature cited by the submitters: PubMed 24741995.